The following is an entry in ClinVar:

ClinVar aggregate classification (germline): Conflicting classifications of pathogenicity. Review status: criteria provided, conflicting classifications (1 of 4 stars). 3 submissions from 3 submitters: Pathogenic (1); Likely pathogenic (1); Uncertain significance (1). Last evaluated 2024-10-22.

Conditions:
Severe combined immunodeficiency, autosomal recessive, T cell-negative, B cell-negative, NK cell-positive. Also called: SCID, AR, T-cell negative, B-cell negative, NK cell-positive; SCID, T CELL-NEGATIVE, B CELL-NEGATIVE, NK CELL-POSITIVE; Severe combined immunodeficiency due to complete RAG1/2 deficiency. Identifiers: Orphanet 331206, MedGen C1832322, MONDO:0011086, OMIM 601457.
Combined immunodeficiency with skin granulomas. Identifiers: Orphanet 157949, MedGen C2673536, MONDO:0009306, OMIM 233650.
Combined immunodeficiency due to partial RAG1 deficiency. Identifiers: Orphanet 231154, MedGen C1835931, MONDO:0012359, OMIM 609889.
Histiocytic medullary reticulosis. Also called: SEVERE COMBINED IMMUNODEFICIENCY WITH HYPEREOSINOPHILIA; Omenn syndrome. Identifiers: Orphanet 39041, MedGen C2700553, MONDO:0011338, OMIM 603554.

Allele frequency attached by ClinVar (database versions not stated): gnomAD exomes below 0.00001 and 0.00002; TOPMed below 0.00001; ExAC 0.00001.

Submissions (3):

Labcorp Genetics (formerly Invitae), Labcorp
Classification: Pathogenic for Combined immunodeficiency with skin granulomas; Severe combined immunodeficiency, autosomal recessive, T cell-negative, B cell-negative, NK cell-positive. Last evaluated: 2024-10-22. Review status: criteria provided, single submitter. Criteria: Invitae Variant Classification Sherloc (09022015). Collection method: clinical testing. Allele origin: germline.
Comment: This variant, c.1981_1983del, results in the deletion of 1 amino acid(s) of the RAG1 protein (p.Met661del), but otherwise preserves the integrity of the reading frame. This variant is present in population databases (rs774103837, gnomAD 0.01%). This variant has been observed in individual(s) with clinical features of severe combined immunodeficiency (internal data). In at least one individual the data is consistent with being in trans (on the opposite chromosome) from a pathogenic variant. ClinVar contains an entry for this variant (Variation ID: 961035). Experimental studies and prediction algorithms are not available or were not evaluated, and the functional significance of this variant is currently unknown. For these reasons, this variant has been classified as Pathogenic.

Fulgent Genetics
Classification: Likely pathogenic for Combined immunodeficiency with skin granulomas; Severe combined immunodeficiency, autosomal recessive, T cell-negative, B cell-negative, NK cell-positive; Histiocytic medullary reticulosis; Combined immunodeficiency due to partial RAG1 deficiency. Last evaluated: 2024-05-29. Review status: criteria provided, single submitter. Criteria: ACMG Guidelines, 2015. Collection method: clinical testing. Allele origin: germline.

Center for Genomics, Ann and Robert H. Lurie Children's Hospital of Chicago
Classification: Uncertain significance for Histiocytic medullary reticulosis; Severe combined immunodeficiency, autosomal recessive, T cell-negative, B cell-negative, NK cell-positive; Combined immunodeficiency with skin granulomas; Combined immunodeficiency due to partial RAG1 deficiency. Review status: criteria provided, single submitter. Criteria: ACMG Guidelines, 2015. Collection method: clinical testing. Allele origin: germline.
Comment: This variant has not been reported in the literature but is present in 0.01% (4/34578) of Latino alleles in the Genome Aggregation Database. This variant is present in ClinVar (Variation ID:961035). Evolutionary conservation and computational predictive tools for this variant are limited or unavailable. This variant represents an in frame deletion of 1 amino acid at position 661 and is not predicted to alter the reading frame. However, the effect of this variant on the protein is unclear. In summary, data on this variant is insufficient for disease classification. Therefore, the clinical significance of this variant is uncertain.

NM_000448.3(RAG1):c.1981_1983del (p.Met661del)

Gene: RAG1 (recombination activating 1; plus strand). Cytogenetic location: 11p12.
Variant type: Deletion.
Coding change: c.1981_1983del on transcript NM_000448.3 (MANE Select); coding-DNA positions 1981 to 1983, 3 bases deleted (ATG; older notation c.1981_1983delATG).
Protein change: p.Met661del; deletes methionine 661.
Molecular consequence: inframe deletion.
Genome position (GRCh38, 1-based): chr11:36,575,285-36,575,287, ATG deleted. VCF-style (leftmost placement, unchanged base first): chr11-36575284-TATG-T. GRCh37 (hg19) VCF-style: chr11-36596834-TATG-T.
Other names: c.1981_1983del, p.Met661del (NM_001377277.1, NM_001377278.1, NM_001377279.1 and 1 more transcripts); short protein forms M661del.
Identifiers: ClinVar variation 961035 (VCV000961035.13), dbSNP rs774103837, ClinGen allele CA5950199.